The following is an entry in ClinVar:

NM_198506.5(LRIT3):c.169G>C (p.Val57Leu)

Gene: LRIT3 (leucine rich repeat, Ig-like and transmembrane domains 3; plus strand). Cytogenetic location: 4q25.
Variant type: single nucleotide variant.
Coding change: c.169G>C on transcript NM_198506.5 (MANE Select); coding-DNA position 169, G replaced by C.
Protein change: p.Val57Leu; replaces valine 57 with leucine.
Molecular consequence: missense variant.
Genome position (GRCh38, 1-based): chr4:109,851,556, G>C. VCF-style: chr4-109851556-G-C. GRCh37 (hg19) VCF-style: chr4-110772712-G-C.
Other names: c.34G>C (NM_198506.2); short protein forms V57L.
Identifiers: ClinVar variation 1017621 (VCV001017621.8), dbSNP rs756641450, ClinGen allele CA357871012.
Genomic context (GRCh38, chr4:109,851,556, plus strand): 5'-GACACTAGGTTGGTGCTATGTAATGACATGGATATGAACGAGCTGCCTACGAACCTCCCC[G>C]TGGACACTGTGAAGCTTCGCATAGAGAAGACTGTCATCCGCAGAATCTCTGCGGAGGCCT-3'
Protein context (NP_940908.3, residues 47-67): DMNELPTNLP[Val57Leu]DTVKLRIEKT

ClinVar aggregate classification (germline): Uncertain significance. Review status: criteria provided, multiple submitters, no conflicts (2 of 4 stars). 3 submissions from 3 submitters: Uncertain significance (3). Last evaluated 2025-03-17.

Conditions:
Inborn genetic diseases. Identifiers: MedGen C0950123, MeSH D030342.

Allele frequency attached by ClinVar (database versions not stated): TOPMed 0.00006.
gnomAD v4.1: 16 of 1,551,580 alleles (0.001%); highest among the groups gnomAD compares: East Asian, 0.039%; no homozygotes.

Submissions (3):

Labcorp Genetics (formerly Invitae), Labcorp
Classification: Uncertain significance. Last evaluated: 2025-03-17. Review status: criteria provided, single submitter. Criteria: Invitae Variant Classification Sherloc (09022015). Collection method: clinical testing. Allele origin: germline.
Comment: This sequence change replaces valine, which is neutral and non-polar, with leucine, which is neutral and non-polar, at codon 57 of the LRIT3 protein (p.Val57Leu). This variant is present in population databases (no rsID available, gnomAD 0.08%). This variant has not been reported in the literature in individuals affected with LRIT3-related conditions. ClinVar contains an entry for this variant (Variation ID: 1017621). An algorithm developed to predict the effect of missense changes on protein structure and function (PolyPhen-2) suggests that this variant is likely to be disruptive. In summary, the available evidence is currently insufficient to determine the role of this variant in disease. Therefore, it has been classified as a Variant of Uncertain Significance.

Blueprint Genetics
Classification: Uncertain significance. Last evaluated: 2023-09-11. Review status: criteria provided, single submitter. Criteria: ACMG Guidelines, 2015. Collection method: clinical testing. Allele origin: germline.

Ambry Genetics
Classification: Uncertain significance for Inborn genetic diseases. Last evaluated: 2022-07-27. Review status: criteria provided, single submitter. Criteria: Ambry Variant Classification Scheme 2023. Collection method: clinical testing. Allele origin: germline.